The following is an entry in ClinVar:

ClinVar aggregate classification (germline): Uncertain significance. Review status: criteria provided, multiple submitters, no conflicts (2 of 4 stars). 15 submissions from 13 submitters: Uncertain significance (15). Last evaluated 2026-05-04.

Conditions:
TNNT2-related disorder. Also called: TNNT2-related condition.
Cardiovascular phenotype. Identifiers: MedGen CN230736.
Dilated cardiomyopathy 1D. Identifiers: Orphanet 154, Orphanet 54260, MedGen C1832243, MONDO:0011095, OMIM 601494.
Hypertrophic cardiomyopathy 2. Also called: TNNT2-Related Familial Hypertrophic Cardiomyopathy. Identifiers: MedGen C1861864, MONDO:0007266, OMIM 115195.
Cardiomyopathy, familial restrictive, 3. Identifiers: Orphanet 75249, MedGen C2676271, MONDO:0012900, OMIM 612422.
Cardiomyopathy (CMYO). Also called: Cardiomyopathies. Identifiers: Orphanet 167848, MedGen C0878544, MONDO:0004994, HP:0001638. Inheritance: Various modes of inheritance.

Allele frequency attached by ClinVar (database versions not stated): gnomAD 0.00001 and 0.00002; gnomAD exomes 0.00001 and 0.00002; ExAC 0.00002; TOPMed 0.00002; ESP Exome Variant Server 0.00008; 1000 Genomes Project 30x 0.00016; 1000 Genomes Project 0.00020.
gnomAD v4.1: 16 of 1,614,080 alleles (0.00099%); highest among the groups gnomAD compares: Admixed American, 0.012%; no homozygotes.

Submissions (15):

PreventionGenetics, part of Exact Sciences
Classification: Uncertain significance for TNNT2-related condition. Last evaluated: 2026-05-04. Review status: criteria provided, single submitter. Criteria: ACMG Guidelines, 2015. Collection method: clinical testing. Allele origin: germline.
Comment: The TNNT2 c.745G>A variant is predicted to result in the amino acid substitution p.Asp249Asn. This variant has been reported as a variant of uncertain significance in two individuals with cardiomyopathy (Lu et al. 2018. PubMed ID: 30165862; described as c.766G>A in Supp File 2, van Lint et al. 2019. PubMed ID: 30847666). This variant is reported in 0.014% of alleles in individuals of Latino descent in gnomAD. At this time, the clinical significance of this variant is uncertain due to the absence of conclusive functional and genetic evidence.

Labcorp Genetics (formerly Invitae), Labcorp
Classification: Uncertain significance for Cardiomyopathy, familial restrictive, 3; Hypertrophic cardiomyopathy 2; Dilated cardiomyopathy 1D. Last evaluated: 2025-12-28. Review status: criteria provided, single submitter. Criteria: Invitae Variant Classification Sherloc (09022015). Collection method: clinical testing. Allele origin: germline.
Comment: This sequence change replaces aspartic acid, which is acidic and polar, with asparagine, which is neutral and polar, at codon 249 of the TNNT2 protein (p.Asp249Asn). This variant is present in population databases (rs141805127, gnomAD 0.01%). This missense change has been observed in individual(s) with TNNT2-related conditions (PMID: 30165862, 30847666). This variant is also known as p.Asp256Asn. ClinVar contains an entry for this variant (Variation ID: 181630). Invitae Evidence Modeling of protein sequence and biophysical properties (such as structural, functional, and spatial information, amino acid conservation, physicochemical variation, residue mobility, and thermodynamic stability) indicates that this missense variant is not expected to disrupt TNNT2 protein function with a negative predictive value of 80%. In summary, the available evidence is currently insufficient to determine the role of this variant in disease. Therefore, it has been classified as a Variant of Uncertain Significance.

Ambry Genetics
Classification: Uncertain significance for Cardiovascular phenotype. Last evaluated: 2025-02-26. Review status: criteria provided, single submitter. Criteria: Ambry Variant Classification Scheme 2023. Collection method: clinical testing. Allele origin: germline.
Comment: The p.D249N variant (also known as c.745G>A), located in coding exon 13 of the TNNT2 gene, results from a G to A substitution at nucleotide position 745. The aspartic acid at codon 249 is replaced by asparagine, an amino acid with highly similar properties. This variant has been reported in one individual from a cardiomyopathy cohort and as a secondary cardiac variant in an exome cohort; however clinical details were limited (Ng D et al. Circ Cardiovasc Genet, 2013 Aug;6:337-46; Lu C et al. J Transl Med, 2018 08;16:241). This variant has also been reported in a pediatric cardiomyopathy cohort (Ware SM et al. Am J Hum Genet, 2022 Feb;109:282-298). This amino acid position is well conserved in available vertebrate species. In addition, the in silico prediction for this alteration is inconclusive. Since supporting evidence is limited at this time, the clinical significance of this alteration remains unclear.

CeGaT Center for Human Genetics Tuebingen
Classification: Uncertain significance. Last evaluated: 2024-11-01. Review status: criteria provided, single submitter. Criteria: CeGaT Center For Human Genetics Tuebingen Variant Classification Criteria Version 2. Collection method: clinical testing. Allele origin: germline. Affected: yes. Observed: 1 variant allele.

Institute of Immunology and Genetics Kaiserslautern
Classification: Uncertain significance for Dilated cardiomyopathy 1D. Last evaluated: 2024-03-26. Review status: criteria provided, single submitter. Criteria: ACMG Guidelines, 2015. Collection method: clinical testing. Allele origin: germline. Affected: yes.
Comment: ACMG Criteria: PM2_P, PP3; Variant was found in heterozygous state

Color Diagnostics, LLC DBA Color Health
Classification: Uncertain significance for Cardiomyopathy. Last evaluated: 2023-11-20. Review status: criteria provided, single submitter. Criteria: ACMG Guidelines, 2015. Collection method: clinical testing. Allele origin: germline.
Comment: This missense variant replaces aspartic acid with asparagine at codon 249 of the TNNT2 protein. Computational prediction tools indicate that this variant's impact on protein structure and function is inconclusive. To our knowledge, functional studies have not been reported for this variant. This variant has been reported in one individual affected with noncompaction cardiomyopathy (PMID: 30847666) and in one individual affected with an unspecified cardiomyopathy (PMID: 30165862). This variant has been identified in 6/282830 chromosomes in the general population by the Genome Aggregation Database (gnomAD). The available evidence is insufficient to determine the role of this variant in disease conclusively. Therefore, this variant is classified as a Variant of Uncertain Significance.

ARUP Laboratories, Molecular Genetics and Genomics, ARUP Laboratories
Classification: Uncertain significance. Last evaluated: 2023-11-17. Review status: criteria provided, single submitter. Criteria: ARUP Molecular Germline Variant Investigation Process 2024. Collection method: clinical testing. Allele origin: germline.
Comment: The TNNT2 c.745G>A; p.Asp249Asn variant (rs141805127) is reported in the literature in one individual with noncompaction cardiomyopathy, one individual from a cardiomyopathy cohort, and as a secondary variant from an exome cohort (Lu 2018, Ng 2013, van Lint 2019). This variant is also reported in ClinVar (Variation ID: 181630). This variant is found in the Admixed American population with an allele frequency of 0.01% (5/35426 alleles) in the Genome Aggregation Database. Computational analyses are uncertain whether this variant is neutral or deleterious (REVEL: 0.658). Due to limited information, the clinical significance of this variant is uncertain at this time. References: Lu C et al. Molecular analysis of inherited cardiomyopathy using next generation semiconductor sequencing technologies. J Transl Med. 2018 Aug 30;16(1):241. PMID: 30165862. Ng D et al. Interpreting secondary cardiac disease variants in an exome cohort. Circ Cardiovasc Genet. 2013 Aug;6(4):337-46. PMID: 23861362. van Lint FHM et al. Large next-generation sequencing gene panels in genetic heart disease: yield of pathogenic variants and variants of unknown significance. Neth Heart J. 2019 Jun;27(6):304-309. PMID: 30847666.

GeneDx
Classification: Uncertain significance. Last evaluated: 2023-09-11. Review status: criteria provided, single submitter. Criteria: GeneDx Variant Classification Process June 2021. Collection method: clinical testing. Allele origin: germline. Affected: yes.
Comment: Identified as a variant of uncertain significance in cohorts of individuals with arrhythmia and cardiomyopathy in the literature; however, specific information was not provided about the number of individuals with the variant, their phenotype, or presence/absence of other variants (PMID: 23861362; 30847666; 30165862); In silico analysis supports that this missense variant has a deleterious effect on protein structure/function; This variant is associated with the following publications: (PMID: 30847666, 30165862, 23861362)

Genome-Nilou Lab
Classification: Uncertain significance for Dilated cardiomyopathy 1D. Last evaluated: 2023-04-11. Review status: criteria provided, single submitter. Criteria: ACMG Guidelines, 2015. Collection method: clinical testing. Allele origin: germline. Affected: no.

Genome-Nilou Lab
Classification: Uncertain significance for Cardiomyopathy, familial restrictive, 3. Last evaluated: 2023-04-11. Review status: criteria provided, single submitter. Criteria: ACMG Guidelines, 2015. Collection method: clinical testing. Allele origin: germline. Affected: no.

Genome-Nilou Lab
Classification: Uncertain significance for Hypertrophic cardiomyopathy 2. Last evaluated: 2023-04-11. Review status: criteria provided, single submitter. Criteria: ACMG Guidelines, 2015. Collection method: clinical testing. Allele origin: germline. Affected: no.

Fulgent Genetics
Classification: Uncertain significance for Hypertrophic cardiomyopathy 2; Dilated cardiomyopathy 1D; Cardiomyopathy, familial restrictive, 3. Last evaluated: 2021-08-20. Review status: criteria provided, single submitter. Criteria: ACMG Guidelines, 2015. Collection method: clinical testing. Allele origin: unknown.

CHEO Genetics Diagnostic Laboratory, Children's Hospital of Eastern Ontario
Classification: Uncertain significance for Cardiomyopathy. Last evaluated: 2019-11-07. Review status: criteria provided, single submitter. Criteria: ACMG Guidelines, 2015. Collection method: clinical testing. Allele origin: germline.

Mendelics
Classification: Uncertain significance for Hypertrophic cardiomyopathy 2. Last evaluated: 2019-05-28. Review status: criteria provided, single submitter. Criteria: Mendelics Assertion Criteria 2017. Collection method: clinical testing. Allele origin: unknown.

Biesecker Lab/Clinical Genomics Section, National Institutes of Health
Classification: Uncertain significance. Last evaluated: 2013-06-24. Review status: criteria provided, single submitter. Criteria: Ng et al. (Circ Cardiovasc Genet. 2013). Collection method: research. Allele origin: unknown. Observed: 1 variant allele. Study: ClinSeq.
Comment: The study set was not selected for affection status in relation to any cancer. Pathogenicity categories were based on literature curation. See Pubmed ID:23861362 for details.

Medical sequencing

Literature cited by the submitters: PubMed 30165862 (cited by 3 submitters); PubMed 30847666 (cited by Labcorp Genetics (formerly Invitae), Labcorp and Color Diagnostics, LLC DBA Color Health); PubMed 23861362 (cited by Ambry Genetics); PubMed 35026164 (cited by Ambry Genetics).

NM_001276345.2(TNNT2):c.775G>A (p.Asp259Asn)

Gene: TNNT2 (troponin T2, cardiac type; minus strand). Cytogenetic location: 1q32.1.
Variant type: single nucleotide variant.
Coding change: c.775G>A on transcript NM_001276345.2 (MANE Select); coding-DNA position 775, G replaced by A.
Protein change: p.Asp259Asn; replaces aspartic acid 259 with asparagine.
Molecular consequence: missense variant.
Genome position (GRCh38, 1-based): chr1:201,361,314, C>T on the plus strand (G>A on the coding strand, the complement: TNNT2 is on the minus strand). VCF-style: chr1-201361314-C-T. GRCh37 (hg19) VCF-style: chr1-201330442-C-T.
Other names: p.D249N:GAC>AAC; c.766G>A, p.Asp256Asn (NM_000364.4); c.745G>A, p.Asp249Asn (NM_001001430.3, NM_001276347.2); c.736G>A, p.Asp246Asn (NM_001001431.3); c.727G>A, p.Asp243Asn (NM_001001432.3); c.646G>A, p.Asp216Asn (NM_001276346.2); short protein forms D249N, D256N, D216N, D243N, D259N, D246N.
Identifiers: ClinVar variation 181630 (VCV000181630.50), dbSNP rs141805127, ClinGen allele CA005066.
Genomic context (GRCh38, chr1:201,361,314, plus strand): 5'-GGGCGGGGACAGCATGGCGGCCCACCTCATATTTCTGCTGCTTGAACTTCTCCTGCAGGT[C>T]GAACTTCTCTGCCTCCAAGTTATAGATGCTCTGCCACAGCTCCTTGGCCTTCTCCCTGCA-3'
Protein context (NP_001263274.1, residues 249-269): SIYNLEAEKF[Asp259Asn]LQEKFKQQKY